The following is an entry in ClinVar:

ClinVar aggregate classification (germline): Uncertain significance (1 of 4 stars; one submission).

Conditions:
KMT2C-related disorder. Also called: KMT2C-related condition; KMT2C-related disorders.

Submission:

PreventionGenetics, part of Exact Sciences
Classification: Uncertain significance for KMT2C-related condition. Last evaluated: 2023-06-05. Review status: criteria provided, single submitter. Criteria: ACMG Guidelines, 2015. Collection method: clinical testing. Allele origin: germline.
Comment: The KMT2C c.11132C>A variant is predicted to result in the amino acid substitution p.Thr3711Asn. To our knowledge, this variant has not been reported in the literature or in a large population database, indicating this variant is rare. At this time, the clinical significance of this variant is uncertain due to the absence of conclusive functional and genetic evidence.

NM_170606.3(KMT2C):c.11132C>A (p.Thr3711Asn)

Gene: KMT2C (lysine methyltransferase 2C; minus strand). Cytogenetic location: 7q36.1.
Variant type: single nucleotide variant.
Coding change: c.11132C>A on transcript NM_170606.3 (MANE Select); coding-DNA position 11132, C replaced by A.
Protein change: p.Thr3711Asn; replaces threonine 3711 with asparagine.
Molecular consequence: missense variant.
Genome position (GRCh38, 1-based): chr7:152,162,445, G>T on the plus strand (C>A on the coding strand, the complement: KMT2C is on the minus strand). VCF-style: chr7-152162445-G-T. GRCh37 (hg19) VCF-style: chr7-151859530-G-T.
Other names: short protein forms T3711N.
Identifiers: ClinVar variation 2632648 (VCV002632648.1), dbSNP rs2129103770, ClinGen allele CA370101347.